The following is an entry in ClinVar:

NC_000008.10:g.(?_82355633)_(82359621_?)del

Gene: PMP2 (peripheral myelin protein 2; minus strand). Cytogenetic location: 8q21.13.
Variant type: Deletion.
Identifiers: ClinVar variation 2424516 (VCV002424516.4).

ClinVar aggregate classification (germline): Uncertain significance (1 of 4 stars; one submission).

Submission:

Labcorp Genetics (formerly Invitae), Labcorp
Classification: Uncertain significance. Last evaluated: 2022-12-02. Review status: criteria provided, single submitter. Criteria: Invitae Variant Classification Sherloc (09022015). Collection method: clinical testing. Allele origin: germline.
Comment: In summary, the available evidence is currently insufficient to determine the role of this variant in disease. Therefore, it has been classified as a Variant of Uncertain Significance. This variant has not been reported in the literature in individuals affected with PMP2-related conditions. A gross deletion of the genomic region encompassing the full coding sequence of the PMP2 gene has been identified. The current clinical and genetic evidence is not sufficient to establish whether loss-of-function variants in PMP2 cause disease. The boundaries of this event are unknown as they extend beyond the assayed region for this gene and therefore may encompass additional genes.